The following is an entry in ClinVar:

ClinVar aggregate classification (germline): Pathogenic/Likely pathogenic. Review status: criteria provided, multiple submitters, no conflicts (2 of 4 stars). 9 submissions from 9 submitters: Pathogenic (6); Likely pathogenic (2). 1 of the submissions does not count toward it. Last evaluated 2025-06-13.

Conditions:
NOTCH3-related disorder. Also called: NOTCH3-related condition; NOTCH3-related disorders.
Cerebral arteriopathy, autosomal dominant, with subcortical infarcts and leukoencephalopathy, type 1 (CADASIL1). Also called: CASIL; Cerebral arteriopathy with subcortical infarcts and leukoencephalopathy 1; DEMENTIA, HEREDITARY MULTIINFARCT TYPE; CADASIL 1. Identifiers: Orphanet 136, MedGen C4551768, MONDO:0000914, OMIM 125310.

gnomAD v4.1: 2 of 1,575,844 alleles (0.00013%); highest among the groups gnomAD compares: Non-Finnish European, 0.00017%; no homozygotes.

Submissions (9):

Institute of Medical Genetics and Applied Genomics, University Hospital Tübingen
Classification: Pathogenic for Cerebral arteriopathy, autosomal dominant, with subcortical infarcts and leukoencephalopathy, type 1. Last evaluated: 2025-06-13. Review status: criteria provided, single submitter. Criteria: ACMG Guidelines, 2015. Collection method: clinical testing. Allele origin: germline. Inheritance: Autosomal dominant inheritance. Affected: yes.

Institute of Human Genetics, University of Leipzig Medical Center
Classification: Likely pathogenic for Cerebral arteriopathy, autosomal dominant, with subcortical infarcts and leukoencephalopathy, type 1. Last evaluated: 2025-03-04. Review status: criteria provided, single submitter. Criteria: ACMG Guidelines, 2015. Collection method: clinical testing. Allele origin: unknown. Inheritance: Autosomal dominant inheritance. Affected: yes.
Comment: Criteria applied: PS3_MOD,PS4_MOD,PM1,PM2_SUP

Laboratory of Genetics, Children's Clinical University Hospital Latvia
Classification: Pathogenic. Last evaluated: 2025-02-16. Review status: criteria provided, single submitter. Criteria: ACMG Guidelines, 2015. Collection method: clinical testing. Allele origin: germline. Affected: yes.

GeneDx
Classification: Likely pathogenic. Last evaluated: 2024-09-06. Review status: criteria provided, single submitter. Criteria: GeneDx Variant Classification Process June 2021. Collection method: clinical testing. Allele origin: germline. Affected: yes.
Comment: Published functional studies demonstrate that this variant failed to rescue stroke susceptibility phenotype in older notch3 knock-out mice, consistent with later onset disease (PMID: 21555590); Not observed at significant frequency in large population cohorts (gnomAD); In silico analysis indicates that this missense variant does not alter protein structure/function; This variant is associated with the following publications: (PMID: 9388399, 21555590, 19859875, 35401403, 36261288, 36380532)

Mayo Clinic Laboratories, Mayo Clinic
Classification: Pathogenic. Last evaluated: 2024-08-27. Review status: criteria provided, single submitter. Criteria: ACMG Guidelines, 2015. Collection method: clinical testing. Allele origin: germline.
Comment: PP2, PP4, PM1, PM2_moderate, PS3, PS4

Labcorp Genetics (formerly Invitae), Labcorp
Classification: Pathogenic. Last evaluated: 2024-03-20. Review status: criteria provided, single submitter. Criteria: Invitae Variant Classification Sherloc (09022015). Collection method: clinical testing. Allele origin: germline.
Comment: This sequence change replaces arginine, which is basic and polar, with cysteine, which is neutral and slightly polar, at codon 1031 of the NOTCH3 protein (p.Arg1031Cys). This variant is not present in population databases (gnomAD no frequency). This missense change has been observed in individuals with cerebral arteriopathy with subcortical infarcts and leukoencephalopathy 1 (CADASIL) (PMID: 9388399, 11244680, 12136071, 19174371). It has also been observed to segregate with disease in related individuals. ClinVar contains an entry for this variant (Variation ID: 447827). Advanced modeling of protein sequence and biophysical properties (such as structural, functional, and spatial information, amino acid conservation, physicochemical variation, residue mobility, and thermodynamic stability) performed at Invitae indicates that this missense variant is expected to disrupt NOTCH3 protein function with a positive predictive value of 80%. Experimental studies have shown that this missense change affects NOTCH3 function (PMID: 21555590). For these reasons, this variant has been classified as Pathogenic.

MGZ Medical Genetics Center
Classification: Pathogenic for Cerebral arteriopathy, autosomal dominant, with subcortical infarcts and leukoencephalopathy, type 1. Last evaluated: 2021-08-17. Review status: criteria provided, single submitter. Criteria: ACMG Guidelines, 2015. Collection method: clinical testing. Allele origin: germline. Affected: yes. Observed: 1 variant allele.
Comment: ACMG criteria applied: PS4, PM1_STR, PM2_SUP, PP3

Athena Diagnostics
Classification: Pathogenic. Last evaluated: 2020-12-14. Review status: criteria provided, single submitter. Criteria: Athena Diagnostics criteria. Collection method: clinical testing. Allele origin: unknown.
Comment: This variant has not been reported in large, multi-ethnic general populations. This variant has been identified in at least one individual with clinical features associated with this gene. Assessment of experimental evidence suggests this variant results in abnormal protein function. Study showed this variant rescued stroke susceptibility phenotype in young notch 3 knock-out mice, but failed to rescue older mice suggesting it might be an age-dependent hypomorphic variant (PMID: 21555590). This variant alters a critical location within the protein, and is expected to severely affect function and cause disease. Greater than 90% of NOTCH3 pathogenic mutations associated with CADASIL involve the gain or loss of a cysteine residue within the epidermal growth factor (EGF)-like repeat domain (PMID: 32457593, 20301673).

PreventionGenetics, part of Exact Sciences
Classification: Pathogenic for NOTCH3-related condition. Last evaluated: 2024-03-27. Review status: no assertion criteria provided. Collection method: clinical testing. Allele origin: germline. Not counted in ClinVar's aggregate classification.
Comment: The NOTCH3 c.3091C>T variant is predicted to result in the amino acid substitution p.Arg1031Cys. This variant has been reported in individuals with CADASIL (Joutel et al. 1997. PubMed ID: 9388399; Wang et al. 2022. PubMed ID: 35401403; Uemura et al. 2022. PubMed ID: 36261288). This variant has not been reported in a large population database, indicating this variant is rare. Most CADASIL causing variants in the NOTCH3 gene result in the gain or loss of one or more cysteine residues in the extracellular domain of the protein, as seen in this patient. This patient’s variant alters a cysteine residue and is located in the extracellular EGF-like domain 26. Pathogenic variants in EGF-like domains 1-6 appear to be fully penetrant and are usually associated with the classical CADASIL phenotype. However, there is variability in disease severity. Pathogenic variants in EGF-like domains 7-34 have a much higher population frequency, and can predispose to a milder small-vessel disease, possibly even displaying incomplete or at least very late onset complete penetrance (OMIM #125310; Rutten et al. 2016. PubMed ID: 27844030; Rutten et al. 2019. PubMed ID: 30032161). This variant is interpreted as pathogenic.

Literature cited by the submitters: PubMed 11102981 (cited by Mayo Clinic Laboratories, Mayo Clinic and Athena Diagnostics); PubMed 12136071 (cited by Mayo Clinic Laboratories, Mayo Clinic and Labcorp Genetics (formerly Invitae), Labcorp); PubMed 19174371 (cited by Mayo Clinic Laboratories, Mayo Clinic and Labcorp Genetics (formerly Invitae), Labcorp); PubMed 21555590 (cited by 3 submitters); PubMed 32612778 (cited by Mayo Clinic Laboratories, Mayo Clinic and Athena Diagnostics); PubMed 33091750 (cited by Mayo Clinic Laboratories, Mayo Clinic and Athena Diagnostics); PubMed 35401403 (cited by Mayo Clinic Laboratories, Mayo Clinic); PubMed 9388399 (cited by 3 submitters); PubMed 11244680 (cited by Labcorp Genetics (formerly Invitae), Labcorp); PubMed 25929831 (cited by Athena Diagnostics).

NM_000435.3(NOTCH3):c.3091C>T (p.Arg1031Cys)

Genes: MIR6795 (microRNA 6795; minus strand), NOTCH3 (notch receptor 3; minus strand). Cytogenetic location: 19p13.12.
Variant type: single nucleotide variant.
Coding change: c.3091C>T on transcript NM_000435.3 (MANE Select); coding-DNA position 3091, C replaced by T.
Protein change: p.Arg1031Cys; replaces arginine 1031 with cysteine.
Molecular consequence: missense variant.
Genome position (GRCh38, 1-based): chr19:15,180,732, G>A on the plus strand (C>T on the coding strand, the complement: NOTCH3 is on the minus strand). VCF-style: chr19-15180732-G-A. GRCh37 (hg19) VCF-style: chr19-15291543-G-A.
Other names: short protein forms R1031C.
Identifiers: ClinVar variation 447827 (VCV000447827.12), dbSNP rs1285584068, ClinGen allele CA404514218.